The following is an entry in ClinVar:

NM_000530.8(MPZ):c.535del (p.Val179fs)

Gene: MPZ (myelin protein zero; minus strand). Cytogenetic location: 1q23.3.
Variant type: Deletion.
Coding change: c.535del on transcript NM_000530.8 (MANE Select); coding-DNA position 535, one base deleted (G; older notation c.535delG).
Protein change: p.Val179fs; shifts the reading frame from valine 179.
Molecular consequence: frameshift variant.
Genome position (GRCh38, 1-based): chr1:161,306,378, C deleted on the plus strand (G on the coding strand, the reverse complement: MPZ is on the minus strand); the first of 2 consecutive C bases (chr1:161,306,378-161,306,379); deleting either gives the same sequence. VCF-style (leftmost placement, unchanged base first): chr1-161306377-AC-A. GRCh37 (hg19) VCF-style: chr1-161276167-AC-A.
Other names: c.535del, p.Val179fs (NM_001315491.2); short protein forms V179fs.
Identifiers: ClinVar variation 4716638 (VCV004716638.1).

ClinVar aggregate classification (germline): Pathogenic (1 of 4 stars; one submission).

Conditions:
Charcot-Marie-Tooth disease, type I (CMT1). Also called: Charcot-Marie-Tooth, Type 1; Charcot-Marie-Tooth disease type 1. Identifiers: Orphanet 65753, MedGen C0751036, MONDO:0019011.

Submission:

Labcorp Genetics (formerly Invitae), Labcorp
Classification: Pathogenic for Charcot-Marie-Tooth disease, type I. Last evaluated: 2025-04-09. Review status: criteria provided, single submitter. Criteria: Invitae Variant Classification Sherloc (09022015). Collection method: clinical testing. Allele origin: germline.
Comment: This sequence change results in a frameshift in the MPZ gene (p.Val179Phefs*73). While this is not anticipated to result in nonsense mediated decay, it is expected to disrupt the last 70 amino acid(s) of the MPZ protein and extend the protein by 2 additional amino acid residues. This variant is not present in population databases (gnomAD no frequency). This variant has not been reported in the literature in individuals affected with MPZ-related conditions. This variant disrupts a region of the MPZ protein in which other variant(s) (p.Lys236del) have been determined to be pathogenic (PMID: 12207932, 15716547, 29687021, 31173589). This suggests that this is a clinically significant region of the protein, and that variants that disrupt it are likely to be disease-causing. For these reasons, this variant has been classified as Pathogenic.

Literature cited by the submitters: PubMed 12207932; PubMed 15716547; PubMed 29687021; PubMed 31173589.